The following is an entry in ClinVar:

NM_006231.4(POLE):c.1020+3A>G

Gene: POLE (DNA polymerase epsilon, catalytic subunit; minus strand). Cytogenetic location: 12q24.33.
Variant type: single nucleotide variant.
Coding change: c.1020+3A>G on transcript NM_006231.4 (MANE Select); 3 bases into the intron after coding-DNA position 1020, A replaced by G.
Molecular consequence: intron variant.
Genome position (GRCh38, 1-based): chr12:132,676,091, T>C on the plus strand (A>G on the coding strand, the complement: POLE is on the minus strand). VCF-style: chr12-132676091-T-C. GRCh37 (hg19) VCF-style: chr12-133252677-T-C.
Other names: c.1020+3A>G (NM_006231.2).
Identifiers: ClinVar variation 863472 (VCV000863472.8), dbSNP rs1438521511, ClinGen allele CA685564651.
Genomic context (GRCh38, chr12:132,676,091, plus strand): 5'-GAAAGATCCACATGTCCGTTCTTCCCACAATACCGGGTAGTTTCCCAAGTGATACCTCCT[T>C]ACCTCATCGGGTTCATTGAAGACACAAAAGGGGCCTTCATATTCTGGCTTGGGGGTGAAC-3'

ClinVar aggregate classification (germline): Conflicting classifications of pathogenicity. Review status: criteria provided, conflicting classifications (1 of 4 stars). 2 submissions from 2 submitters: Uncertain significance (1); Likely benign (1). Last evaluated 2025-06-16.

Conditions:
Hereditary cancer-predisposing syndrome. Also called: Hereditary Cancer Syndrome; Tumor predisposition; Neoplastic Syndromes, Hereditary; Hereditary neoplastic syndrome. Identifiers: Orphanet 140162, MedGen C0027672, MeSH D009386, MONDO:0015356.

Allele frequency attached by ClinVar (database versions not stated): gnomAD exomes below 0.00001; TOPMed below 0.00001.
gnomAD v4.1: 1 of 1,589,414 alleles (0.000063%); highest among the groups gnomAD compares: Non-Finnish European, 0.000086%; no homozygotes.

Submissions (2):

Ambry Genetics
Classification: Uncertain significance for Hereditary cancer-predisposing syndrome. Last evaluated: 2025-06-16. Review status: criteria provided, single submitter. Criteria: Ambry Variant Classification Scheme 2023. Collection method: clinical testing. Allele origin: germline.
Comment: The c.1020+3A>G intronic variant results from an A to G substitution 3 nucleotides after coding exon 10 in the POLE gene. This nucleotide position is well conserved in available vertebrate species. In silico splice site analysis predicts that this alteration will not have any significant effect on splicing. Based on the available evidence, the clinical significance of this variant remains unclear.

Labcorp Genetics (formerly Invitae), Labcorp
Classification: Likely benign. Last evaluated: 2024-05-22. Review status: criteria provided, single submitter. Criteria: Invitae Variant Classification Sherloc (09022015). Collection method: clinical testing. Allele origin: germline.